The following is an entry in ClinVar:

NM_005359.6(SMAD4):c.29C>T (p.Pro10Leu)

Gene: SMAD4 (SMAD family member 4; plus strand). Cytogenetic location: 18q21.2.
Variant type: single nucleotide variant.
Coding change: c.29C>T on transcript NM_005359.6 (MANE Select); coding-DNA position 29, C replaced by T.
Protein change: p.Pro10Leu; replaces proline 10 with leucine.
Molecular consequence: missense variant.
Genome position (GRCh38, 1-based): chr18:51,047,075, C>T. VCF-style: chr18-51047075-C-T. GRCh37 (hg19) VCF-style: chr18-48573445-C-T.
Other names: short protein forms P10L.
Identifiers: ClinVar variation 952757 (VCV000952757.11), dbSNP rs1909566256, ClinGen allele CA402457286.
Genomic context (GRCh38, chr18:51,047,075, plus strand): 5'-CATATTTGATTTAAAAGGAAAAACTTGAACAAATGGACAATATGTCTATTACGAATACAC[C>T]AACAAGTAATGATGCCTGTCTGAGCATTGTGCATAGTTTGATGTGCCATAGACAAGGTGG-3'
Protein context (NP_005350.1, residues 1-20): MDNMSITNT[Pro10Leu]TSNDACLSIV

ClinVar aggregate classification (germline): Uncertain significance. Review status: criteria provided, multiple submitters, no conflicts (2 of 4 stars). 2 submissions from 2 submitters: Uncertain significance (2). Last evaluated 2023-12-10.

Conditions:
Juvenile polyposis syndrome (JPS). Identifiers: Orphanet 2929, MedGen C0345893, MONDO:0017380, OMIM 174900.

Submissions (2):

Labcorp Genetics (formerly Invitae), Labcorp
Classification: Uncertain significance for Juvenile polyposis syndrome. Last evaluated: 2023-12-10. Review status: criteria provided, single submitter. Criteria: Invitae Variant Classification Sherloc (09022015). Collection method: clinical testing. Allele origin: germline.
Comment: This sequence change replaces proline, which is neutral and non-polar, with leucine, which is neutral and non-polar, at codon 10 of the SMAD4 protein (p.Pro10Leu). This variant is not present in population databases (gnomAD no frequency). This variant has not been reported in the literature in individuals affected with SMAD4-related conditions. ClinVar contains an entry for this variant (Variation ID: 952757). Advanced modeling of protein sequence and biophysical properties (such as structural, functional, and spatial information, amino acid conservation, physicochemical variation, residue mobility, and thermodynamic stability) has been performed at Invitae for this missense variant, however the output from this modeling did not meet the statistical confidence thresholds required to predict the impact of this variant on SMAD4 protein function. In summary, the available evidence is currently insufficient to determine the role of this variant in disease. Therefore, it has been classified as a Variant of Uncertain Significance.

GeneDx
Classification: Uncertain significance. Last evaluated: 2019-10-14. Review status: criteria provided, single submitter. Criteria: GeneDx Variant Classification Process June 2021. Collection method: clinical testing. Allele origin: germline. Affected: yes.
Comment: Has not been previously published as pathogenic or benign to our knowledge; Not observed in large population cohorts (Lek et al., 2016); In silico analysis, which includes protein predictors and evolutionary conservation, supports a deleterious effect